The following is an entry in ClinVar:

ClinVar aggregate classification (germline): Uncertain significance. Review status: criteria provided, multiple submitters, no conflicts (2 of 4 stars). 4 submissions from 4 submitters: Uncertain significance (4). Last evaluated 2025-12-16.

Conditions:
Familial cancer of breast. Also called: BREAST CANCER, FAMILIAL; hereditary breast carcinoma; Hereditary breast cancer. Identifiers: Orphanet 227535, MedGen C0346153, MONDO:0016419, OMIM 114480. Disease mechanism: loss of function.
Hereditary cancer-predisposing syndrome. Also called: Tumor predisposition; Hereditary Cancer Syndrome; Neoplastic Syndromes, Hereditary; Hereditary neoplastic syndrome. Identifiers: Orphanet 140162, MedGen C0027672, MeSH D009386, MONDO:0015356.

Allele frequency attached by ClinVar (database versions not stated): gnomAD exomes below 0.00001.
gnomAD v4.1: 2 of 1,604,970 alleles (0.00012%); highest among the groups gnomAD compares: Non-Finnish European, 0.000085%; no homozygotes.

Submissions (4):

Labcorp Genetics (formerly Invitae), Labcorp
Classification: Uncertain significance for Familial cancer of breast. Last evaluated: 2025-12-16. Review status: criteria provided, single submitter. Criteria: Invitae Variant Classification Sherloc (09022015). Collection method: clinical testing. Allele origin: germline.
Comment: This sequence change replaces valine, which is neutral and non-polar, with isoleucine, which is neutral and non-polar, at codon 559 of the BARD1 protein (p.Val559Ile). This variant is not present in population databases (gnomAD no frequency). This variant has not been reported in the literature in individuals affected with BARD1-related conditions. ClinVar contains an entry for this variant (Variation ID: 1332131). An algorithm developed to predict the effect of missense changes on protein structure and function (PolyPhen-2) suggests that this variant is likely to be tolerated. In summary, the available evidence is currently insufficient to determine the role of this variant in disease. Therefore, it has been classified as a Variant of Uncertain Significance.

Ambry Genetics
Classification: Uncertain significance for Hereditary cancer-predisposing syndrome. Last evaluated: 2025-04-18. Review status: criteria provided, single submitter. Criteria: Ambry Variant Classification Scheme 2023. Collection method: clinical testing. Allele origin: germline.
Comment: The p.V559I variant (also known as c.1675G>A), located in coding exon 7 of the BARD1 gene, results from a G to A substitution at nucleotide position 1675. The valine at codon 559 is replaced by isoleucine, an amino acid with highly similar properties. This amino acid position is not well conserved in available vertebrate species. In addition, this alteration is predicted to be tolerated by in silico analysis. Since supporting evidence is limited at this time, the clinical significance of this alteration remains unclear.

Sema4
Classification: Uncertain significance for Hereditary cancer-predisposing syndrome. Last evaluated: 2021-08-17. Review status: criteria provided, single submitter. Criteria: Sema4 Curation Guidelines. Collection method: curation. Allele origin: germline.
Comment: The BARD1 c.1675G>A (p.V559I) variant has not been reported in the literature to our knowledge. It was not observed in the large and broad cohorts of the Genome Aggregation Database. The variant has not been reported in ClinVar. Functional studies have not been performed, and in silico predictions of the variant's effect on protein function are inconclusive. The evidence is insufficient to meet ACMG/AMP criteria for classifying the variant as benign or pathogenic. Thus, the clinical significance of this variant is currently uncertain.

Color Diagnostics, LLC DBA Color Health
Classification: Uncertain significance for Hereditary cancer-predisposing syndrome. Last evaluated: 2021-04-02. Review status: criteria provided, single submitter. Criteria: ACMG Guidelines, 2015. Collection method: clinical testing. Allele origin: germline.
Comment: This missense variant replaces valine with isoleucine at codon 559 of the BARD1 protein. Computational prediction suggests that this variant may not impact protein structure and function (internally defined REVEL score threshold <= 0.5, PMID: 27666373). To our knowledge, functional studies have not been reported for this variant. This variant has not been reported in individuals affected with hereditary cancer in the literature. This variant has not been identified in the general population by the Genome Aggregation Database (gnomAD). The available evidence is insufficient to determine the role of this variant in disease conclusively. Therefore, this variant is classified as a Variant of Uncertain Significance.

NM_000465.4(BARD1):c.1675G>A (p.Val559Ile)

Gene: BARD1 (BRCA1 associated RING domain 1; minus strand). Cytogenetic location: 2q35.
Variant type: single nucleotide variant.
Coding change: c.1675G>A on transcript NM_000465.4 (MANE Select); coding-DNA position 1675, G replaced by A.
Protein change: p.Val559Ile; replaces valine 559 with isoleucine.
Molecular consequence: missense variant. On other transcripts: non-coding transcript variant (3), intron variant (1).
Genome position (GRCh38, 1-based): chr2:214,752,449, C>T on the plus strand (G>A on the coding strand, the complement: BARD1 is on the minus strand). VCF-style: chr2-214752449-C-T. GRCh37 (hg19) VCF-style: chr2-215617173-C-T.
Other names: c.1618G>A, p.Val540Ile (NM_001282543.2); c.322G>A, p.Val108Ile (NM_001282545.2); c.265G>A, p.Val89Ile (NM_001282548.2); c.365-21941G>A (NM_001282549.2); c.1675G>A (NM_000465.2); short protein forms V108I, V540I, V559I, V89I.
Identifiers: ClinVar variation 1332131 (VCV001332131.12), dbSNP rs2106038526, ClinGen allele CA350454507.